The following is an entry in ClinVar:

ClinVar aggregate classification (germline): Likely benign (1 of 4 stars; one submission).

Submission:

CeGaT Center for Human Genetics Tuebingen
Classification: Likely benign. Last evaluated: 2022-12-01. Review status: criteria provided, single submitter. Criteria: CeGaT Center For Human Genetics Tuebingen Variant Classification Criteria Version 2. Collection method: clinical testing. Allele origin: germline. Affected: yes. Observed: 1 variant allele.
Comment: ANGPTL3: PM2:Supporting, BP4, BP7

NM_014495.4(ANGPTL3):c.42T>G (p.Val14=)

Genes: ANGPTL3 (angiopoietin like 3; plus strand), DOCK7 (dedicator of cytokinesis 7; minus strand). Cytogenetic location: 1p31.3.
Variant type: single nucleotide variant.
Coding change: c.42T>G on transcript NM_014495.4 (MANE Select); coding-DNA position 42, T replaced by G.
Protein change: p.Val14=; no amino-acid change (valine 14 retained).
Molecular consequence: synonymous variant. On other transcripts: intron variant (7).
Genome position (GRCh38, 1-based): chr1:62,597,608, T>G. VCF-style: chr1-62597608-T-G. GRCh37 (hg19) VCF-style: chr1-63063279-T-G.
Other names: c.1683-10984A>C (NM_001272001.2, NM_001272000.2, NM_033407.4 and 4 more transcripts).
Identifiers: ClinVar variation 2638866 (VCV002638866.24), dbSNP rs2525840398, ClinGen allele CA418002757.